The following is an entry in ClinVar:

NM_002801.4(PSMB10):c.366del (p.Arg123fs)

Gene: PSMB10 (proteasome 20S subunit beta 10; minus strand). Cytogenetic location: 16q22.1.
Variant type: Deletion.
Coding change: c.366del on transcript NM_002801.4 (MANE Select); coding-DNA position 366, one base deleted (G; older notation c.366delG).
Protein change: p.Arg123fs; shifts the reading frame from arginine 123.
Molecular consequence: frameshift variant.
Genome position (GRCh38, 1-based): chr16:67,935,980, C deleted on the plus strand (G on the coding strand, the reverse complement: PSMB10 is on the minus strand). VCF-style (leftmost placement, unchanged base first): chr16-67935979-GC-G. GRCh37 (hg19) VCF-style: chr16-67969882-GC-G.
Other names: short protein forms R123fs.
Identifiers: ClinVar variation 3905461 (VCV003905461.10).

ClinVar aggregate classification (germline): Uncertain significance (1 of 4 stars; one submission).

Submission:

CeGaT Center for Human Genetics Tuebingen
Classification: Uncertain significance. Last evaluated: 2025-06-01. Review status: criteria provided, single submitter. Criteria: CeGaT Center For Human Genetics Tuebingen Variant Classification Criteria Version 2. Collection method: clinical testing. Allele origin: germline. Affected: yes. Observed: 1 variant allele.
Comment: PSMB10: PM2